The following is an entry in ClinVar:

ClinVar aggregate classification (germline): Uncertain significance. Review status: criteria provided, multiple submitters, no conflicts (2 of 4 stars). 2 submissions from 2 submitters: Uncertain significance (2). Last evaluated 2023-12-20.

Conditions:
Inborn genetic diseases. Identifiers: MedGen C0950123, MeSH D030342.
Werner syndrome (WRN). Identifiers: Orphanet 902, MedGen C0043119, MONDO:0010196, OMIM 277700.

Allele frequency attached by ClinVar (database versions not stated): gnomAD 0.00001; TOPMed 0.00001.
gnomAD v4.1: 2 of 1,613,820 alleles (0.00012%); highest among the groups gnomAD compares: African/African-American, 0.0027%; no homozygotes.

Submissions (2):

Ambry Genetics
Classification: Uncertain significance for Inborn genetic diseases. Last evaluated: 2023-12-20. Review status: criteria provided, single submitter. Criteria: Ambry Variant Classification Scheme 2023. Collection method: clinical testing. Allele origin: germline.

Labcorp Genetics (formerly Invitae), Labcorp
Classification: Uncertain significance for Werner syndrome. Last evaluated: 2022-04-01. Review status: criteria provided, single submitter. Criteria: Invitae Variant Classification Sherloc (09022015). Collection method: clinical testing. Allele origin: germline.
Comment: This sequence change replaces phenylalanine, which is neutral and non-polar, with tyrosine, which is neutral and polar, at codon 203 of the WRN protein (p.Phe203Tyr). This variant is present in population databases (no rsID available, gnomAD 0.02%). This variant has not been reported in the literature in individuals affected with WRN-related conditions. ClinVar contains an entry for this variant (Variation ID: 963125). Algorithms developed to predict the effect of missense changes on protein structure and function output the following: SIFT: "Not Available"; PolyPhen-2: "Benign"; Align-GVGD: "Not Available". The tyrosine amino acid residue is found in multiple mammalian species, which suggests that this missense change does not adversely affect protein function. In summary, the available evidence is currently insufficient to determine the role of this variant in disease. Therefore, it has been classified as a Variant of Uncertain Significance.

NM_000553.6(WRN):c.608T>A (p.Phe203Tyr)

Gene: WRN (WRN RecQ like helicase; plus strand). Cytogenetic location: 8p12.
Variant type: single nucleotide variant.
Coding change: c.608T>A on transcript NM_000553.6 (MANE Select); coding-DNA position 608, T replaced by A.
Protein change: p.Phe203Tyr; replaces phenylalanine 203 with tyrosine.
Molecular consequence: missense variant.
Genome position (GRCh38, 1-based): chr8:31,067,136, T>A. VCF-style: chr8-31067136-T-A. GRCh37 (hg19) VCF-style: chr8-30924652-T-A.
Other names: short protein forms F203Y.
Identifiers: ClinVar variation 963125 (VCV000963125.4), dbSNP rs1307793327, ClinGen allele CA370916258.